The following is an entry in ClinVar:

ClinVar aggregate classification (germline): Uncertain significance (1 of 4 stars; one submission).

Conditions:
Long QT syndrome (LQTS). Identifiers: MedGen C0023976, MeSH D008133, MONDO:0002442. Disease mechanism: loss of function. Inheritance: Various modes of inheritance.

gnomAD v4.1: 2 of 1,614,116 alleles (0.00012%); highest among the groups gnomAD compares: Non-Finnish European, 0.00017%; no homozygotes.

Submission:

Labcorp Genetics (formerly Invitae), Labcorp
Classification: Uncertain significance for Long QT syndrome. Last evaluated: 2025-12-01. Review status: criteria provided, single submitter. Criteria: Invitae Variant Classification Sherloc (09022015). Collection method: clinical testing. Allele origin: germline.
Comment: This sequence change replaces serine, which is neutral and polar, with leucine, which is neutral and non-polar, at codon 2847 of the ANK2 protein (p.Ser2847Leu). This variant is not present in population databases (gnomAD no frequency). This variant has not been reported in the literature in individuals affected with ANK2-related conditions. An algorithm developed to predict the effect of missense changes on protein structure and function outputs the following: PolyPhen-2: "Benign". The leucine amino acid residue is found in multiple mammalian species, which suggests that this missense change does not adversely affect protein function. In summary, the available evidence is currently insufficient to determine the role of this variant in disease. Therefore, it has been classified as a Variant of Uncertain Significance.

NM_001148.6(ANK2):c.8540C>T (p.Ser2847Leu)

Gene: ANK2 (ankyrin 2; plus strand). Cytogenetic location: 4q26.
Variant type: single nucleotide variant.
Coding change: c.8540C>T on transcript NM_001148.6 (MANE Select); coding-DNA position 8540, C replaced by T.
Protein change: p.Ser2847Leu; replaces serine 2847 with leucine.
Molecular consequence: missense variant. On other transcripts: intron variant (68).
Genome position (GRCh38, 1-based): chr4:113,357,158, C>T. VCF-style: chr4-113357158-C-T. GRCh37 (hg19) VCF-style: chr4-114278314-C-T.
Other names: c.4412-3665C>T (NM_001386148.2, NM_001386186.2); c.4214-3665C>T (NM_001354269.3); c.4292-3665C>T (NM_001386187.2); c.4253-3665C>T (NM_001386147.1); c.4271-3665C>T (NM_001386160.1); c.4376-3665C>T (NM_001354254.2); c.4397-3665C>T (NM_001354239.2, NM_001354252.2); c.4298-3665C>T (NM_001354272.2); and 35 more; short protein forms S1647L, S2894L, S2847L, S2886L, S2769L.
Identifiers: ClinVar variation 4767447 (VCV004767447.1).